The following is an entry in ClinVar:

ClinVar aggregate classification (germline): Conflicting classifications of pathogenicity. Review status: criteria provided, conflicting classifications (1 of 4 stars). 3 submissions from 3 submitters: Uncertain significance (1); Likely benign (2). Last evaluated 2026-05-11.

Conditions:
PKHD1-related disorder. Also called: PKHD1-related condition.
Autosomal recessive polycystic kidney disease (ARPKD). Also called: AR polycystic kidney disease. Identifiers: Orphanet 731, Orphanet 8378, MedGen C0085548, MeSH D017044, MONDO:0009889.

Allele frequency attached by ClinVar (database versions not stated): gnomAD below 0.00001 and 0.00004; gnomAD exomes 0.00006 and 0.00012; ExAC 0.00016.
gnomAD v4.1: 98 of 1,613,814 alleles (0.0061%); highest among the groups gnomAD compares: South Asian, 0.1%; no homozygotes.

Submissions (3):

PreventionGenetics, part of Exact Sciences
Classification: Likely benign for PKHD1-related condition. Last evaluated: 2026-05-11. Review status: criteria provided, single submitter. Criteria: ACMG Guidelines, 2015. Collection method: clinical testing. Allele origin: germline.
Comment: This variant is classified as likely benign based on ACMG/AMP sequence variant interpretation guidelines (Richards et al. 2015 PMID: 25741868, with internal and published modifications).

Labcorp Genetics (formerly Invitae), Labcorp
Classification: Likely benign for Autosomal recessive polycystic kidney disease. Last evaluated: 2025-12-16. Review status: criteria provided, single submitter. Criteria: Invitae Variant Classification Sherloc (09022015). Collection method: clinical testing. Allele origin: germline.

Eurofins Ntd Llc (ga)
Classification: Uncertain significance. Last evaluated: 2017-02-17. Review status: criteria provided, single submitter. Criteria: EGL Classification Definitions 2015. Collection method: clinical testing. Allele origin: germline. Observed: 1 variant allele, 1 heterozygote.

NM_138694.4(PKHD1):c.7957C>T (p.Leu2653=)

Gene: PKHD1 (PKHD1 ciliary IPT domain containing fibrocystin/polyductin; minus strand). Cytogenetic location: 6p12.2.
Variant type: single nucleotide variant.
Coding change: c.7957C>T on transcript NM_138694.4 (MANE Select); coding-DNA position 7957, C replaced by T.
Protein change: p.Leu2653=; no amino-acid change (leucine 2653 retained).
Molecular consequence: synonymous variant.
Genome position (GRCh38, 1-based): chr6:51,847,925, G>A on the plus strand (C>T on the coding strand, the complement: PKHD1 is on the minus strand). VCF-style: chr6-51847925-G-A. GRCh37 (hg19) VCF-style: chr6-51712723-G-A.
Other names: c.7957C>T (NM_138694.3); c.7957C>T, p.Leu2653= (NM_170724.3).
Identifiers: ClinVar variation 500459 (VCV000500459.17), dbSNP rs556212333, ClinGen allele CA3851779.